The following is an entry in ClinVar:

NM_018417.6(ADCY10):c.2438-13C>T

Gene: ADCY10 (adenylate cyclase 10; minus strand). Cytogenetic location: 1q24.2.
Variant type: single nucleotide variant.
Coding change: c.2438-13C>T on transcript NM_018417.6 (MANE Select); 13 bases into the intron before coding-DNA position 2438, C replaced by T.
Molecular consequence: intron variant.
Genome position (GRCh38, 1-based): chr1:167,846,276, G>A on the plus strand (C>T on the coding strand, the complement: ADCY10 is on the minus strand). VCF-style: chr1-167846276-G-A. GRCh37 (hg19) VCF-style: chr1-167815514-G-A.
Other names: c.1979-13C>T (NM_001167749.3); c.2162-13C>T (NM_001297772.2).
Identifiers: ClinVar variation 1169426 (VCV001169426.11), dbSNP rs35398078, ClinGen allele CA1227617.

ClinVar aggregate classification (germline): Benign/Likely benign. Review status: criteria provided, multiple submitters, no conflicts (2 of 4 stars). 4 submissions from 4 submitters: Benign (3); Likely benign (1). Last evaluated 2026-02-01.

Allele frequency attached by ClinVar (database versions not stated): 1000 Genomes Project 0.05092; 1000 Genomes Project 30x 0.05184; ExAC 0.08777; gnomAD 0.08812 and 0.09013; TOPMed 0.08819; gnomAD exomes 0.08920 and 0.10811; ESP Exome Variant Server 0.09434.
gnomAD v4.1: 171,484 of 1,613,624 alleles (11%); highest among the groups gnomAD compares: Middle Eastern, 12%; 10,018 homozygotes.

Submissions (4):

Labcorp Genetics (formerly Invitae), Labcorp
Classification: Benign. Last evaluated: 2026-02-01. Review status: criteria provided, single submitter. Criteria: Invitae Variant Classification Sherloc (09022015). Collection method: clinical testing. Allele origin: germline.

Blueprint Genetics
Classification: Likely benign. Last evaluated: 2024-11-26. Review status: criteria provided, single submitter. Criteria: ACMG Guidelines, 2015. Collection method: clinical testing. Allele origin: germline.

GeneDx
Classification: Benign. Last evaluated: 2019-12-31. Review status: criteria provided, single submitter. Criteria: GeneDx Variant Classification Process June 2021. Collection method: clinical testing. Allele origin: germline. Affected: yes.
Comment: This variant is associated with the following publications: (PMID: 11932268)

Breakthrough Genomics
Classification: Benign. Review status: criteria provided, single submitter. Criteria: ACMG Guidelines, 2015. Collection method: not provided. Allele origin: germline. Inheritance: Autosomal dominant inheritance. Affected: yes.